The following is an entry in ClinVar:

NM_000506.5(F2):c.1741C>T (p.Arg581Cys)

Gene: F2 (coagulation factor II, thrombin; plus strand). Cytogenetic location: 11p11.2.
Variant type: single nucleotide variant.
Coding change: c.1741C>T on transcript NM_000506.5 (MANE Select); coding-DNA position 1741, C replaced by T.
Protein change: p.Arg581Cys; replaces arginine 581 with cysteine.
Molecular consequence: missense variant.
Genome position (GRCh38, 1-based): chr11:46,739,280, C>T. VCF-style: chr11-46739280-C-T. GRCh37 (hg19) VCF-style: chr11-46760830-C-T.
Other names: short protein forms R581C.
Identifiers: ClinVar variation 3721020 (VCV003721020.4).

ClinVar aggregate classification (germline): Pathogenic/Likely pathogenic. Review status: criteria provided, multiple submitters, no conflicts (2 of 4 stars). 2 submissions from 2 submitters: Pathogenic (1); Likely pathogenic (1). Last evaluated 2025-04-21.

Conditions:
Congenital prothrombin deficiency. Also called: Hereditary factor II deficiency disease; Factor II deficiency; Inherited hypoprothrombinemia; Congenital factor II deficiency; Inherited prothrombin deficiency; HYPOPROTHROMBINEMIA. Identifiers: Orphanet 325, MedGen C0272317, MONDO:0013361, OMIM 613679.

gnomAD v4.1: 3 of 1,614,068 alleles (0.00019%); highest among the groups gnomAD compares: Non-Finnish European, 0.00025%; no homozygotes.

Submissions (2):

Women's Health and Genetics/Laboratory Corporation of America, LabCorp
Classification: Pathogenic for Congenital prothrombin deficiency. Last evaluated: 2025-04-21. Review status: criteria provided, single submitter. Criteria: LabCorp Variant Classification Summary - May 2015. Collection method: clinical testing. Allele origin: germline.
Comment: Variant summary: F2 c.1741C>T (p.Arg581Cys) results in a non-conservative amino acid change in the encoded protein sequence. Five of five in-silico tools predict a damaging effect of the variant on protein function. The variant allele was found at a frequency of 1.9e-06 in 1614068 control chromosomes (gnomAD). c.1741C>T has been observed in several individuals affected with Congenital Prothrombin Deficiency (e.g., Akhavan_2000). These data indicate that the variant is very likely to be associated with disease. The following publication has been ascertained in the context of this evaluation (PMID: 11154146). ClinVar contains an entry for this variant (Variation ID: 3721020). Based on the evidence outlined above, the variant was classified as pathogenic.

Labcorp Genetics (formerly Invitae), Labcorp
Classification: Likely pathogenic for Congenital prothrombin deficiency. Last evaluated: 2024-04-25. Review status: criteria provided, single submitter. Criteria: Invitae Variant Classification Sherloc (09022015). Collection method: clinical testing. Allele origin: germline.
Comment: This sequence change replaces arginine, which is basic and polar, with cysteine, which is neutral and slightly polar, at codon 581 of the F2 protein (p.Arg581Cys). This variant is not present in population databases (gnomAD no frequency). This missense change has been observed in individuals with autosomal recessive prothrombin deficiency (PMID: 11154146). It has also been observed to segregate with disease in related individuals. This variant is also known as Arg538Cys. Advanced modeling of protein sequence and biophysical properties (such as structural, functional, and spatial information, amino acid conservation, physicochemical variation, residue mobility, and thermodynamic stability) performed at Invitae indicates that this missense variant is expected to disrupt F2 protein function with a positive predictive value of 80%. In summary, the currently available evidence indicates that the variant is pathogenic, but additional data are needed to prove that conclusively. Therefore, this variant has been classified as Likely Pathogenic.

Literature cited by the submitters: PubMed 11154146 (cited by Women's Health and Genetics/Laboratory Corporation of America, LabCorp and Labcorp Genetics (formerly Invitae), Labcorp).